The following is an entry in ClinVar:

NM_194248.3(OTOF):c.5712+5G>A

Gene: OTOF (otoferlin; minus strand). Cytogenetic location: 2p23.3.
Variant type: single nucleotide variant.
Coding change: c.5712+5G>A on transcript NM_194248.3 (MANE Select); 5 bases into the intron after coding-DNA position 5712, G replaced by A.
Molecular consequence: intron variant.
Genome position (GRCh38, 1-based): chr2:26,460,847, C>T on the plus strand (G>A on the coding strand, the complement: OTOF is on the minus strand). VCF-style: chr2-26460847-C-T. GRCh37 (hg19) VCF-style: chr2-26683715-C-T.
Other names: c.5712+5G>A (NM_001287489.2); c.3411+5G>A (NM_194323.3, NM_004802.4); c.3642+5G>A (NM_194322.3).
Identifiers: ClinVar variation 1478440 (VCV001478440.5), dbSNP rs750175033, ClinGen allele CA1562739.

ClinVar aggregate classification (germline): Uncertain significance (1 of 4 stars; one submission).

Allele frequency attached by ClinVar (database versions not stated): ExAC 0.00002; gnomAD exomes 0.00002 and 0.00005; TOPMed 0.00002; gnomAD 0.00003.
gnomAD v4.1: 82 of 1,614,026 alleles (0.0051%); highest among the groups gnomAD compares: Non-Finnish European, 0.0062%; no homozygotes.

Submission:

Labcorp Genetics (formerly Invitae), Labcorp
Classification: Uncertain significance. Last evaluated: 2024-10-16. Review status: criteria provided, single submitter. Criteria: Invitae Variant Classification Sherloc (09022015). Collection method: clinical testing. Allele origin: germline.
Comment: This sequence change falls in intron 44 of the OTOF gene. It does not directly change the encoded amino acid sequence of the OTOF protein. It affects a nucleotide within the consensus splice site. This variant is present in population databases (rs750175033, gnomAD 0.004%). This variant has not been reported in the literature in individuals affected with OTOF-related conditions. ClinVar contains an entry for this variant (Variation ID: 1478440). Variants that disrupt the consensus splice site are a relatively common cause of aberrant splicing (PMID: 17576681, 9536098). Algorithms developed to predict the effect of sequence changes on RNA splicing suggest that this variant may disrupt the consensus splice site. In summary, the available evidence is currently insufficient to determine the role of this variant in disease. Therefore, it has been classified as a Variant of Uncertain Significance.

Literature cited by the submitters: PubMed 17576681; PubMed 9536098.